The following is an entry in ClinVar:

ClinVar aggregate classification (germline): Uncertain significance (1 of 4 stars; one submission).

Allele frequency attached by ClinVar (database versions not stated): gnomAD 0.00001; TOPMed 0.00001.
gnomAD v4.1: 4 of 1,550,106 alleles (0.00026%); highest among the groups gnomAD compares: Non-Finnish European, 0.00017%; no homozygotes.

Submission:

Labcorp Genetics (formerly Invitae), Labcorp
Classification: Uncertain significance. Last evaluated: 2022-12-25. Review status: criteria provided, single submitter. Criteria: Invitae Variant Classification Sherloc (09022015). Collection method: clinical testing. Allele origin: germline.
Comment: This sequence change replaces asparagine, which is neutral and polar, with serine, which is neutral and polar, at codon 453 of the FGFR3 protein (p.Asn453Ser). In summary, the available evidence is currently insufficient to determine the role of this variant in disease. Therefore, it has been classified as a Variant of Uncertain Significance. Algorithms developed to predict the effect of missense changes on protein structure and function (SIFT, PolyPhen-2, Align-GVGD) all suggest that this variant is likely to be tolerated. This variant has not been reported in the literature in individuals affected with FGFR3-related conditions. This variant is present in population databases (no rsID available, gnomAD 0.01%).

NM_000142.5(FGFR3):c.1358A>G (p.Asn453Ser)

Gene: FGFR3 (fibroblast growth factor receptor 3; plus strand). Cytogenetic location: 4p16.3.
Variant type: single nucleotide variant.
Coding change: c.1358A>G on transcript NM_000142.5 (MANE Select); coding-DNA position 1358, A replaced by G.
Protein change: p.Asn453Ser; replaces asparagine 453 with serine.
Molecular consequence: missense variant. On other transcripts: non-coding transcript variant (1).
Genome position (GRCh38, 1-based): chr4:1,804,915, A>G. VCF-style: chr4-1804915-A-G. GRCh37 (hg19) VCF-style: chr4-1806642-A-G.
Other names: c.1364A>G, p.Asn455Ser (NM_001163213.2); c.1361A>G, p.Asn454Ser (NM_001354809.2, NM_001354810.2); c.1022A>G, p.Asn341Ser (NM_022965.4); short protein forms N341S, N453S, N454S, N455S.
Identifiers: ClinVar variation 2886157 (VCV002886157.3), dbSNP rs1466726466, ClinGen allele CA355980349.